The following is an entry in ClinVar:

NM_000426.4(LAMA2):c.1650C>T (p.Gly550=)

Gene: LAMA2 (laminin subunit alpha 2; plus strand). Cytogenetic location: 6q22.33.
Variant type: single nucleotide variant.
Coding change: c.1650C>T on transcript NM_000426.4 (MANE Select); coding-DNA position 1650, C replaced by T.
Protein change: p.Gly550=; no amino-acid change (glycine 550 retained).
Molecular consequence: synonymous variant.
Genome position (GRCh38, 1-based): chr6:129,192,721, C>T. VCF-style: chr6-129192721-C-T. GRCh37 (hg19) VCF-style: chr6-129513866-C-T.
Other names: p.Gly550=; c.1650C>T, p.Gly550= (NM_001079823.2).
Identifiers: ClinVar variation 477444 (VCV000477444.55), dbSNP rs899353, ClinGen allele CA3992685.
Genomic context (GRCh38, chr6:129,192,721, plus strand): 5'-ACTGTGTGTTTTCTCTAAGATACAAGATATGAGTGGCTGGTATCTGACTGACCTTCCTGG[C>T]CGCATTCGAGTGGCTCCCCAGCAGGACGACTTGGACTCACCTCAGCAGATCAGCATCAGT-3'
Protein context (NP_000417.3, residues 540-560): MSGWYLTDLP[Gly550=]RIRVAPQQDD

ClinVar aggregate classification (germline): Conflicting classifications of pathogenicity. Review status: criteria provided, conflicting classifications (1 of 4 stars). 9 submissions from 9 submitters: Uncertain significance (2); Benign (1); Likely benign (6). Last evaluated 2026-01-22.

Conditions:
LAMA2-related disorder. Also called: LAMA2-related disorders; LAMA2-related condition.
Congenital muscular dystrophy due to partial LAMA2 deficiency. Identifiers: MedGen C1842898.
Merosin deficient congenital muscular dystrophy (MDC1A). Also called: Congenital Muscular Dystrophy Type 1A (MDC1A); Congenital merosin-deficient muscular dystrophy 1A. Identifiers: Orphanet 258, MedGen C1263858, MONDO:0011925, OMIM 607855.
LAMA2-related muscular dystrophy (LAMA2-RD). Also called: Laminin alpha 2-related dystrophy. Identifiers: MedGen C5679788, MONDO:0100228.

Allele frequency attached by ClinVar (database versions not stated): gnomAD exomes 0.00013 and 0.00027; ExAC 0.00034; ESP Exome Variant Server 0.00092; 1000 Genomes Project 30x 0.00109; gnomAD 0.00113 and 0.00120; TOPMed 0.00113; 1000 Genomes Project 0.00140.
gnomAD v4.1: 365 of 1,614,178 alleles (0.023%); highest among the groups gnomAD compares: African/African-American, 0.39%; 2 homozygotes.

Submissions (9):

Labcorp Genetics (formerly Invitae), Labcorp
Classification: Benign for LAMA2-related muscular dystrophy. Last evaluated: 2026-01-22. Review status: criteria provided, single submitter. Criteria: Invitae Variant Classification Sherloc (09022015). Collection method: clinical testing. Allele origin: germline.

Women's Health and Genetics/Laboratory Corporation of America, LabCorp
Classification: Likely benign. Last evaluated: 2025-12-11. Review status: criteria provided, single submitter. Criteria: LabCorp Variant Classification Summary - May 2015. Collection method: clinical testing. Allele origin: germline.

Mayo Clinic Laboratories, Mayo Clinic
Classification: Likely benign. Last evaluated: 2025-03-26. Review status: criteria provided, single submitter. Criteria: ACMG Guidelines, 2015. Collection method: clinical testing. Allele origin: germline. Observed: 3 variant alleles.
Comment: BP4, BP7

PreventionGenetics, part of Exact Sciences
Classification: Likely benign for LAMA2-related condition. Last evaluated: 2025-02-14. Review status: criteria provided, single submitter. Criteria: ACMG Guidelines, 2015. Collection method: clinical testing. Allele origin: germline.
Comment: This variant is classified as likely benign based on ACMG/AMP sequence variant interpretation guidelines (Richards et al. 2015 PMID: 25741868, with internal and published modifications).

Blueprint Genetics
Classification: Likely benign. Last evaluated: 2024-08-22. Review status: criteria provided, single submitter. Criteria: ACMG Guidelines, 2015. Collection method: clinical testing. Allele origin: germline.

CeGaT Center for Human Genetics Tuebingen
Classification: Likely benign. Last evaluated: 2022-03-01. Review status: criteria provided, single submitter. Criteria: CeGaT Center For Human Genetics Tuebingen Variant Classification Criteria Version 2. Collection method: clinical testing. Allele origin: germline. Affected: yes. Observed: 2 variant alleles.
Comment: LAMA2: BP4, BP7

Baylor Genetics
Classification: Uncertain significance for Merosin deficient congenital muscular dystrophy. Last evaluated: 2018-01-29. Review status: criteria provided, single submitter. Criteria: ACMG Guidelines, 2015. Collection method: clinical testing. Allele origin: unknown. Affected: yes.
Comment: This variant was determined to be of uncertain significance according to ACMG Guidelines, 2015 [PMID:25741868].

Illumina Laboratory Services, Illumina
Classification: Uncertain significance for Congenital muscular dystrophy due to partial LAMA2 deficiency. Last evaluated: 2018-01-12. Review status: criteria provided, single submitter. Criteria: ICSL Variant Classification Criteria 13 December 2019. Collection method: clinical testing. Allele origin: germline.

Athena Diagnostics
Classification: Likely benign. Last evaluated: 2017-11-15. Review status: criteria provided, single submitter. Criteria: Athena Diagnostics Criteria. Collection method: clinical testing. Allele origin: germline.